The following is an entry in ClinVar:

NM_006892.4(DNMT3B):c.1139G>A (p.Arg380Gln)

Gene: DNMT3B (DNA methyltransferase 3 beta; plus strand). Cytogenetic location: 20q11.21.
Variant type: single nucleotide variant.
Coding change: c.1139G>A on transcript NM_006892.4 (MANE Select); coding-DNA position 1139, G replaced by A.
Protein change: p.Arg380Gln; replaces arginine 380 with glutamine.
Molecular consequence: missense variant.
Genome position (GRCh38, 1-based): chr20:32,795,421, G>A. VCF-style: chr20-32795421-G-A. GRCh37 (hg19) VCF-style: chr20-31383227-G-A.
Other names: c.953G>A, p.Arg318Gln (NM_001207055.2); c.851G>A, p.Arg284Gln (NM_001207056.2); c.1079G>A, p.Arg360Gln (NM_175848.2, NM_175849.2); c.1115G>A, p.Arg372Gln (NM_175850.3); c.1139G>A (NM_006892.3); short protein forms R284Q, R318Q, R360Q, R372Q, R380Q.
Identifiers: ClinVar variation 1675165 (VCV001675165.5), dbSNP rs148132847, ClinGen allele CA9810440.

ClinVar aggregate classification (germline): Uncertain significance. Review status: criteria provided, multiple submitters, no conflicts (2 of 4 stars). 3 submissions from 3 submitters: Uncertain significance (3). Last evaluated 2025-11-06.

Conditions:
Immunodeficiency-centromeric instability-facial anomalies syndrome 1 (ICF1). Identifiers: Orphanet 2268, MedGen C4551557, MONDO:0009454, OMIM 242860.
Centromeric instability of chromosomes 1,9 and 16 and immunodeficiency (ICF1). Also called: Immunodeficiency-centromeric instability-facial anomalies; CENTROMERIC INSTABILITY, IMMUNODEFICIENCY SYNDROME; IMMUNE DEFICIENCY, VARIABLE, WITH CENTROMERIC INSTABILITY OF CHROMOSOMES 1, 9, AND 16; IMMUNODEFICIENCY SYNDROME, VARIABLE. Identifiers: Orphanet 2268, MedGen C0398788, MONDO:0000133.
Inborn genetic diseases. Identifiers: MedGen C0950123, MeSH D030342.

Allele frequency attached by ClinVar (database versions not stated): gnomAD 0.00002 and 0.00004; TOPMed 0.00003; ExAC 0.00004; gnomAD exomes 0.00005; 1000 Genomes Project 30x 0.00016; 1000 Genomes Project 0.00020.
gnomAD v4.1: 41 of 1,614,008 alleles (0.0025%); highest among the groups gnomAD compares: South Asian, 0.027%; no homozygotes.

Submissions (3):

Ambry Genetics
Classification: Uncertain significance for Inborn genetic diseases. Last evaluated: 2025-11-06. Review status: criteria provided, single submitter. Criteria: Ambry Variant Classification Scheme 2023. Collection method: clinical testing. Allele origin: germline.

Labcorp Genetics (formerly Invitae), Labcorp
Classification: Uncertain significance for Centromeric instability of chromosomes 1,9 and 16 and immunodeficiency. Last evaluated: 2023-12-11. Review status: criteria provided, single submitter. Criteria: Invitae Variant Classification Sherloc (09022015). Collection method: clinical testing. Allele origin: germline.
Comment: This sequence change replaces arginine, which is basic and polar, with glutamine, which is neutral and polar, at codon 380 of the DNMT3B protein (p.Arg380Gln). This variant is present in population databases (rs148132847, gnomAD 0.04%). This variant has not been reported in the literature in individuals affected with DNMT3B-related conditions. ClinVar contains an entry for this variant (Variation ID: 1675165). Advanced modeling of protein sequence and biophysical properties (such as structural, functional, and spatial information, amino acid conservation, physicochemical variation, residue mobility, and thermodynamic stability) performed at Invitae indicates that this missense variant is not expected to disrupt DNMT3B protein function with a negative predictive value of 80%. In summary, the available evidence is currently insufficient to determine the role of this variant in disease. Therefore, it has been classified as a Variant of Uncertain Significance.

Center for Genomics, Ann and Robert H. Lurie Children's Hospital of Chicago
Classification: Uncertain significance for Immunodeficiency-centromeric instability-facial anomalies syndrome 1. Last evaluated: 2022-01-27. Review status: criteria provided, single submitter. Criteria: ACMG Guidelines, 2015. Collection method: clinical testing. Allele origin: germline.
Comment: DNMT3B NM_006892.3 exon 11 p.Arg380Gln (c.1139G>A): This variant has not been reported in the literature but is present in 0.007% (3/41388) of African alleles in the Genome Aggregation Database. Evolutionary conservation and computational predictive tools suggest that this variant may not impact the protein. In summary, data on this variant is insufficient for disease classification. Therefore, the clinical significance of this variant is uncertain.